The following is an entry in ClinVar:

ClinVar aggregate classification (germline): Uncertain significance (1 of 4 stars; one submission).

Conditions:
Rhabdoid tumor predisposition syndrome 2 (RTPS2). Identifiers: Orphanet 231108, Orphanet 69077, MedGen C2750074, MONDO:0013224, OMIM 613325.

Submission:

Labcorp Genetics (formerly Invitae), Labcorp
Classification: Uncertain significance for Rhabdoid tumor predisposition syndrome 2. Last evaluated: 2020-12-08. Review status: criteria provided, single submitter. Criteria: Invitae Variant Classification Sherloc (09022015). Collection method: clinical testing. Allele origin: germline.
Comment: In summary, the available evidence is currently insufficient to determine the role of this variant in disease. Therefore, it has been classified as a Variant of Uncertain Significance. Algorithms developed to predict the effect of missense changes on protein structure and function are either unavailable or do not agree on the potential impact of this missense change (SIFT: "Deleterious"; PolyPhen-2: "Possibly Damaging"; Align-GVGD: "Class C0"). This variant has not been reported in the literature in individuals with SMARCA4-related conditions. This variant is not present in population databases (ExAC no frequency). This sequence change replaces leucine with methionine at codon 409 of the SMARCA4 protein (p.Leu409Met). The leucine residue is highly conserved and there is a small physicochemical difference between leucine and methionine.

NM_003072.5(SMARCA4):c.1225C>A (p.Leu409Met)

Gene: SMARCA4 (SWI/SNF related BAF chromatin remodeling complex subunit ATPase 4; plus strand). Cytogenetic location: 19p13.2.
Variant type: single nucleotide variant.
Coding change: c.1225C>A on transcript NM_003072.5 (MANE Select); coding-DNA position 1225, C replaced by A.
Protein change: p.Leu409Met; replaces leucine 409 with methionine.
Molecular consequence: missense variant. On other transcripts: non-coding transcript variant (1).
Genome position (GRCh38, 1-based): chr19:10,989,423, C>A. VCF-style: chr19-10989423-C-A. GRCh37 (hg19) VCF-style: chr19-11100099-C-A.
Other names: c.1225C>A, p.Leu409Met (NM_001128844.3, NM_001128845.2, NM_001128846.2 and 5 more transcripts); short protein forms L409M.
Identifiers: ClinVar variation 1481829 (VCV001481829.8), dbSNP rs2145849845, ClinGen allele CA404059766.